The following is an entry in ClinVar:

NM_015135.3(NUP205):c.4283A>G (p.Tyr1428Cys)

Gene: NUP205 (nucleoporin 205; plus strand). Cytogenetic location: 7q33.
Variant type: single nucleotide variant.
Coding change: c.4283A>G on transcript NM_015135.3 (MANE Select); coding-DNA position 4283, A replaced by G.
Protein change: p.Tyr1428Cys; replaces tyrosine 1428 with cysteine.
Molecular consequence: missense variant.
Genome position (GRCh38, 1-based): chr7:135,619,841, A>G. VCF-style: chr7-135619841-A-G. GRCh37 (hg19) VCF-style: chr7-135304589-A-G.
Other names: c.3209A>G, p.Tyr1070Cys (NM_001329434.2); c.4283A>G (NM_015135.2); short protein forms Y1070C, Y1428C.
Identifiers: ClinVar variation 2147934 (VCV002147934.6), dbSNP rs146549921, ClinGen allele CA4498842.
Genomic context (GRCh38, chr7:135,619,841, plus strand): 5'-TCTCCCTAGGTGGTGGATTCCAACGAGTGAGGACTCACTTGTATGGCTCTCTGCTTTATT[A>G]CTTACAGATTGCCCAGAGACCTGATGAACCAGACACCTTAGAAGCAGGTAGAATGAGATC-3'
Protein context (NP_055950.2, residues 1418-1438): RTHLYGSLLY[Tyr1428Cys]LQIAQRPDEP

ClinVar aggregate classification (germline): Likely benign. Review status: criteria provided, single submitter (1 of 4 stars). 2 submissions from 2 submitters: Likely benign (1). 1 of the submissions does not count toward it. Last evaluated 2022-06-01.

Conditions:
NUP205-related disorder. Also called: NUP205-related condition.

Allele frequency attached by ClinVar (database versions not stated): ESP Exome Variant Server 0.00008; ExAC 0.00010; gnomAD 0.00012.

Submissions (2):

Labcorp Genetics (formerly Invitae), Labcorp
Classification: Likely benign. Last evaluated: 2022-06-01. Review status: criteria provided, single submitter. Criteria: Invitae Variant Classification Sherloc (09022015). Collection method: clinical testing. Allele origin: germline.

PreventionGenetics, part of Exact Sciences
Classification: Likely benign for NUP205-related condition. Last evaluated: 2022-12-21. Review status: no assertion criteria provided. Collection method: clinical testing. Allele origin: germline. Not counted in ClinVar's aggregate classification.
Comment: This variant is classified as likely benign based on ACMG/AMP sequence variant interpretation guidelines (Richards et al. 2015 PMID: 25741868, with internal and published modifications).